The following is an entry in ClinVar:

ClinVar aggregate classification (germline): Pathogenic (1 of 4 stars; one submission).

Submission:

GeneDx
Classification: Pathogenic. Last evaluated: 2018-07-18. Review status: criteria provided, single submitter. Criteria: GeneDx Variant Classification (06012015). Collection method: clinical testing. Allele origin: germline. Affected: yes.
Comment: The c.1638_1662del25 variant in the TRIP12 gene has not been reported previously as a pathogenic variant nor as a benign variant, to our knowledge. The c.1638_1662del25 variant causes a frameshift starting with codon Glutamic acid 547, changes this amino acid to a Lysine residue, and creates a premature Stop codon at position 16 of the new reading frame, denoted p.Glu547LysfsX16. This variant is predicted to cause loss of normal protein function either through protein truncation or nonsense-mediated mRNA decay. The c.1638_1662del25 variant is not observed in large population cohorts (Lek et al., 2016). We interpret c.1638_1662del25 as a pathogenic variant.

NM_001348323.3(TRIP12):c.1782_1806del (p.Glu595fs)

Gene: TRIP12 (thyroid hormone receptor interactor 12; minus strand). Cytogenetic location: 2q36.3.
Variant type: Deletion.
Coding change: c.1782_1806del on transcript NM_001348323.3 (MANE Select); coding-DNA positions 1782 to 1806, 25 bases deleted (GGAGATGTTGTCACGGAGACATAGT).
Protein change: p.Glu595fs; shifts the reading frame from glutamic acid 595.
Molecular consequence: frameshift variant.
Genome position (GRCh38, 1-based): chr2:229,814,251-229,814,275, ACTATGTCTCCGTGACAACATCTCC deleted on the plus strand (GGAGATGTTGTCACGGAGACATAGT on the coding strand, the reverse complement: TRIP12 is on the minus strand); deleting any 25 consecutive bases within chr2:229,814,251-229,814,276 gives the same sequence; the c. name uses the placement nearest the transcript's 3' end. VCF-style (leftmost placement, unchanged base first): chr2-229814250-TACTATGTCTCCGTGACAACATCTCC-T. GRCh37 (hg19) VCF-style: chr2-230678966-TACTATGTCTCCGTGACAACATCTCC-T.
Other names: c.1782_1806del, p.Glu595fs (NM_001284214.2, NM_001348315.2, NM_001348319.1 and 11 more transcripts); c.1656_1680del, p.Glu553fs (NM_001284215.2, NM_001348316.2, NM_001348317.1 and 2 more transcripts); c.747_771del, p.Glu250fs (NM_001284216.2); c.1695_1719del, p.Glu566fs (NM_001348332.1); c.1638_1662del, p.Glu547fs (NM_004238.3); short protein forms E547fs, E553fs, E595fs, E250fs, E566fs.
Identifiers: ClinVar variation 817739 (VCV000817739.1), dbSNP rs1575409311, ClinGen allele CA915941744.